The following is an entry in ClinVar:

NM_003000.3(SDHB):c.73-1G>A

Gene: SDHB (succinate dehydrogenase complex iron sulfur subunit B; minus strand). Cytogenetic location: 1p36.13.
Variant type: single nucleotide variant.
Coding change: c.73-1G>A on transcript NM_003000.3 (MANE Select); the canonical splice acceptor site of the intron before coding-DNA position 73, G replaced by A.
Molecular consequence: splice acceptor variant.
Genome position (GRCh38, 1-based): chr1:17,044,889, C>T on the plus strand (G>A on the coding strand, the complement: SDHB is on the minus strand). VCF-style: chr1-17044889-C-T. GRCh37 (hg19) VCF-style: chr1-17371384-C-T.
Other names: c.73-1G>A (NM_001407361.1).
Identifiers: ClinVar variation 428925 (VCV000428925.13), dbSNP rs1131691055, ClinGen allele CA338228458.

ClinVar aggregate classification (germline): Pathogenic/Likely pathogenic. Review status: criteria provided, multiple submitters, no conflicts (2 of 4 stars). 3 submissions from 3 submitters: Pathogenic (1); Likely pathogenic (2). Last evaluated 2024-04-29.

Conditions:
Hereditary cancer-predisposing syndrome. Also called: Neoplastic Syndromes, Hereditary; Hereditary Cancer Syndrome; Hereditary neoplastic syndrome; Tumor predisposition. Identifiers: Orphanet 140162, MedGen C0027672, MeSH D009386, MONDO:0015356.
Pheochromocytoma/paraganglioma syndrome 4. Also called: PARAGANGLIOMA, FAMILIAL MALIGNANT; PARAGANGLIOMAS, HEREDITARY EXTRAADRENAL; PHEOCHROMOCYTOMA, FAMILIAL EXTRAADRENAL; Paragangliomas 4; CAROTID BODY TUMORS AND MULTIPLE EXTRAADRENAL PHEOCHROMOCYTOMAS; SDHB-Related Hereditary Paraganglioma-Pheochromocytoma Syndrome (Paragangliomas 4). Identifiers: Orphanet 29072, MedGen C1861848, MONDO:0007273, OMIM 115310.
Gastrointestinal stromal tumor. Also called: Gastrointestinal stroma tumor; Gastrointestinal stromal tumor, somatic. Identifiers: Orphanet 44890, MedGen C0238198, MeSH D046152, MONDO:0011719, OMIM 606764, HP:0100723.
Pheochromocytoma. Also called: MAX-Related Hereditary Paraganglioma-Pheochromocytoma Syndrome. Identifiers: Orphanet 29072, MedGen C0031511, MONDO:0008233, OMIM 171300, HP:0002666.

Submissions (3):

Labcorp Genetics (formerly Invitae), Labcorp
Classification: Likely pathogenic for Gastrointestinal stromal tumor; Pheochromocytoma/paraganglioma syndrome 4; Pheochromocytoma. Last evaluated: 2024-04-29. Review status: criteria provided, single submitter. Criteria: Invitae Variant Classification Sherloc (09022015). Collection method: clinical testing. Allele origin: germline.
Comment: This sequence change affects an acceptor splice site in intron 1 of the SDHB gene. It is expected to disrupt RNA splicing. Variants that disrupt the donor or acceptor splice site typically lead to a loss of protein function (PMID: 16199547), and loss-of-function variants in SDHB are known to be pathogenic (PMID: 19454582, 19802898). This variant is not present in population databases (gnomAD no frequency). Disruption of this splice site has been observed in individual(s) with head and neck paraganglioma (PMID: 31492822). ClinVar contains an entry for this variant (Variation ID: 428925). Algorithms developed to predict the effect of sequence changes on RNA splicing suggest that this variant may disrupt the consensus splice site. In summary, the currently available evidence indicates that the variant is pathogenic, but additional data are needed to prove that conclusively. Therefore, this variant has been classified as Likely Pathogenic.

GeneDx
Classification: Pathogenic. Last evaluated: 2020-09-15. Review status: criteria provided, single submitter. Criteria: GeneDx Variant Classification Process June 2021. Collection method: clinical testing. Allele origin: germline. Affected: yes.
Comment: Canonical splice site variant predicted to result in a null allele in a gene for which loss-of-function is a known mechanism of disease; Not observed in large population cohorts (Lek et al., 2016); This variant is associated with the following publications: (PMID: 31492822)

Ambry Genetics
Classification: Likely pathogenic for Hereditary cancer-predisposing syndrome. Last evaluated: 2016-08-04. Review status: criteria provided, single submitter. Criteria: Ambry Autosomal Dominant and X-Linked criteria (10/2015). Collection method: clinical testing. Allele origin: germline. Observed: 1 variant allele.
Comment: The c.73-1G>A intronic variant results from a G to A substitution one nucleotide upstream from coding exon 2 of the SDHB gene. This variant was not reported in population based cohorts in the following databases: Database of Single Nucleotide Polymorphisms (dbSNP), NHLBI Exome Sequencing Project (ESP), and 1000 Genomes Project. In the ESP, this variant was not observed in 6503 samples (13006 alleles) with coverage at this position. This nucleotide position is highly conserved in available vertebrate species. The BDGP and ESEfinder splice site prediction tools do not produce a reliable prediction for this splice acceptor site. Alterations that disrupt the canonical splice site are expected to cause aberrant splicing, resulting in an abnormal protein or a transcript that is subject to nonsense-mediated mRNA decay. As such, this alteration is classified as likely pathogenic.

Literature cited by the submitters: PubMed 16199547 (cited by Labcorp Genetics (formerly Invitae), Labcorp); PubMed 19454582 (cited by Labcorp Genetics (formerly Invitae), Labcorp); PubMed 19802898 (cited by Labcorp Genetics (formerly Invitae), Labcorp); PubMed 31492822 (cited by Labcorp Genetics (formerly Invitae), Labcorp).